The following is an entry in ClinVar:

ClinVar aggregate classification (germline): Conflicting classifications of pathogenicity. Review status: criteria provided, conflicting classifications (1 of 4 stars). 4 submissions from 4 submitters: Uncertain significance (2); Likely benign (2). Last evaluated 2022-09-14.

Conditions:
Hereditary cancer-predisposing syndrome. Also called: Hereditary Cancer Syndrome; Tumor predisposition; Neoplastic Syndromes, Hereditary; Hereditary neoplastic syndrome. Identifiers: Orphanet 140162, MedGen C0027672, MeSH D009386, MONDO:0015356.
Ataxia-telangiectasia syndrome (AT). Also called: Cerebello-oculocutaneous telangiectasia; Immunodeficiency with ataxia telangiectasia; AT, COMPLEMENTATION GROUP C; Ataxia-telangiectasia, complementation group D; LOUIS-BAR SYNDROME; Ataxia-telangiectasia, complementation group E. Identifiers: Orphanet 100, MedGen C0004135, MONDO:0008840, OMIM 208900.

Allele frequency attached by ClinVar (database versions not stated): gnomAD exomes below 0.00001.
gnomAD v4.1: 1 of 1,460,152 alleles (0.000068%); highest among the groups gnomAD compares: Non-Finnish European, 0.000095%; no homozygotes.

Submissions (4):

Labcorp Genetics (formerly Invitae), Labcorp
Classification: Uncertain significance for Ataxia-telangiectasia syndrome. Last evaluated: 2022-09-14. Review status: criteria provided, single submitter. Criteria: Invitae Variant Classification Sherloc (09022015). Collection method: clinical testing. Allele origin: germline.
Comment: This sequence change falls in intron 25 of the ATM gene. It does not directly change the encoded amino acid sequence of the ATM protein. It affects a nucleotide within the consensus splice site. This variant is not present in population databases (gnomAD no frequency). This variant has not been reported in the literature in individuals affected with ATM-related conditions. ClinVar contains an entry for this variant (Variation ID: 507777). Variants that disrupt the consensus splice site are a relatively common cause of aberrant splicing (PMID: 17576681, 9536098). Algorithms developed to predict the effect of sequence changes on RNA splicing suggest that this variant is not likely to affect RNA splicing. In summary, the available evidence is currently insufficient to determine the role of this variant in disease. Therefore, it has been classified as a Variant of Uncertain Significance.

Ambry Genetics
Classification: Likely benign for Hereditary cancer-predisposing syndrome. Last evaluated: 2021-05-07. Review status: criteria provided, single submitter. Criteria: Ambry Variant Classification Scheme 2023. Collection method: clinical testing. Allele origin: germline.

Mayo Clinic Laboratories, Mayo Clinic
Classification: Uncertain significance. Last evaluated: 2019-10-14. Review status: criteria provided, single submitter. Criteria: ACMG Guidelines, 2015. Collection method: clinical testing. Allele origin: germline. Observed: 1 variant allele.

GeneDx
Classification: Likely benign. Last evaluated: 2017-02-24. Review status: criteria provided, single submitter. Criteria: GeneDx Variant Classification (06012015). Collection method: clinical testing. Allele origin: germline. Affected: yes.
Comment: This variant is considered likely benign or benign based on one or more of the following criteria: it is a conservative change, it occurs at a poorly conserved position in the protein, it is predicted to be benign by multiple in silico algorithms, and/or has population frequency not consistent with disease.

Literature cited by the submitters: PubMed 17576681 (cited by Labcorp Genetics (formerly Invitae), Labcorp); PubMed 9536098 (cited by Labcorp Genetics (formerly Invitae), Labcorp).

NM_000051.4(ATM):c.3746+4A>C

Gene: ATM (ATM serine/threonine kinase; plus strand). Cytogenetic location: 11q22.3.
Variant type: single nucleotide variant.
Coding change: c.3746+4A>C on transcript NM_000051.4 (MANE Select); 4 bases into the intron after coding-DNA position 3746, A replaced by C.
Molecular consequence: intron variant.
Genome position (GRCh38, 1-based): chr11:108,282,883, A>C. VCF-style: chr11-108282883-A-C. GRCh37 (hg19) VCF-style: chr11-108153610-A-C.
Other names: c.3746+4A>C (NM_001351834.2).
Identifiers: ClinVar variation 507777 (VCV000507777.14), dbSNP rs1555092593, ClinGen allele CA658795359.
Genomic context (GRCh38, chr11:108,282,883, plus strand): 5'-CTTATCTTCTTTTCCTTTTATTTTATTAAACTACACAAATATTGAGGATTTCTATAGGTA[A>C]GTTTATACATGACATATGTGAAATTTGTTTAATTTAAAATTAGTTAACAATACTTAGCAA-3'